The following is an entry in ClinVar:

ClinVar aggregate classification (germline): Uncertain significance (1 of 4 stars; one submission).

Conditions:
DICER1-related tumor predisposition. Also called: DICER1 syndrome; DICER1-related pleuropulmonary blastoma cancer predisposition syndrome. Identifiers: Orphanet 284343, MedGen C3839822, MONDO:0100216.

Submission:

Labcorp Genetics (formerly Invitae), Labcorp
Classification: Uncertain significance for DICER1-related tumor predisposition. Last evaluated: 2021-04-16. Review status: criteria provided, single submitter. Criteria: Invitae Variant Classification Sherloc (09022015). Collection method: clinical testing. Allele origin: germline.
Comment: In summary, the available evidence is currently insufficient to determine the role of this variant in disease. Therefore, it has been classified as a Variant of Uncertain Significance. Algorithms developed to predict the effect of missense changes on protein structure and function (SIFT, PolyPhen-2, Align-GVGD) all suggest that this variant is likely to be disruptive, but these predictions have not been confirmed by published functional studies and their clinical significance is uncertain. This variant has not been reported in the literature in individuals with DICER1-related conditions. This variant is not present in population databases (ExAC no frequency). This sequence change replaces proline with arginine at codon 1383 of the DICER1 protein (p.Pro1383Arg). The proline residue is highly conserved and there is a moderate physicochemical difference between proline and arginine.

NM_177438.3(DICER1):c.4148C>G (p.Pro1383Arg)

Gene: DICER1 (dicer 1, ribonuclease III; minus strand). Cytogenetic location: 14q32.13.
Variant type: single nucleotide variant.
Coding change: c.4148C>G on transcript NM_177438.3 (MANE Select); coding-DNA position 4148, C replaced by G.
Protein change: p.Pro1383Arg; replaces proline 1383 with arginine.
Molecular consequence: missense variant.
Genome position (GRCh38, 1-based): chr14:95,099,838, G>C on the plus strand (C>G on the coding strand, the complement: DICER1 is on the minus strand). VCF-style: chr14-95099838-G-C. GRCh37 (hg19) VCF-style: chr14-95566175-G-C.
Other names: c.4148C>G, p.Pro1383Arg (NM_001195573.1, NM_001271282.3, NM_001291628.2 and 1 more transcripts); short protein forms P1383R.
Identifiers: ClinVar variation 1345586 (VCV001345586.9), dbSNP rs2139901726, ClinGen allele CA390871931.